The following is an entry in ClinVar:

ClinVar aggregate classification (germline): Pathogenic (1 of 4 stars; one submission).

Submission:

Clinical Genomics Laboratory, Laboratory for Precision Diagnostics, University of Washington
Classification: Pathogenic. Last evaluated: 2022-02-14. Review status: criteria provided, single submitter. Criteria: ACMG/ClinGen CNV Guidelines, 2019. Collection method: clinical testing. Allele origin: unknown. Affected: yes. Observed: 1 variant allele.
Comment: Paient also had arr[GRCh38] 15q11.1q13.2(19866420_30445140)x4 and arr[GRCh38] 16p11.2(29584162_30204300)x1; The proximal 15q region of two-copy gain is approximately 10.6 Mb in size and encompasses 56 protein-coding genes, including GABRB3 and GABRA5, which are implicated in seizure disorders. The adjacent region of one-copy gain is approximately 1.8 Mb in size and includes 9 protein-coding genes. The inv dup(15) syndrome, also referred to as the idic(15) syndrome, is well described.

GRCh38/hg38 15q13.2-13.3(chr15:30445141-32222140)x3

Genes: MIR211 (microRNA 211; minus strand), MTMR10 (myotubularin related protein 10; minus strand), LINC03034 (long intergenic non-protein coding RNA 3034; minus strand), ARHGAP11B (Rho GTPase activating protein 11B), ARHGAP11B-DT (ARHGAP11B divergent transcript) and 29 more. Cytogenetic location: 15q13.2-13.3.
Variant type: copy number gain.
Change: copy number 3 (three copies instead of two) of chr15:30,445,141-32,222,140 (1.78 Mb, GRCh38 coordinates, 1-based), cytogenetic band 15q13.2-13.3.
Identifiers: ClinVar variation 4852026 (VCV004852026.1).